The following is an entry in ClinVar:

NM_003119.4(SPG7):c.2387A>G (p.Ter796Trp)

Gene: SPG7 (SPG7 matrix AAA peptidase subunit, paraplegin; plus strand). Cytogenetic location: 16q24.3.
Variant type: single nucleotide variant.
Coding change: c.2387A>G on transcript NM_003119.4 (MANE Select); coding-DNA position 2387, A replaced by G.
Protein change: p.Ter796Trp.
Molecular consequence: stop lost. On other transcripts: 3 prime UTR variant (1).
Genome position (GRCh38, 1-based): chr16:89,557,092, A>G. VCF-style: chr16-89557092-A-G. GRCh37 (hg19) VCF-style: chr16-89623500-A-G.
Other names: c.*165A>G (NM_001363850.1).
Identifiers: ClinVar variation 2152648 (VCV002152648.4), dbSNP rs763204452, ClinGen allele CA8244668.

ClinVar aggregate classification (germline): Uncertain significance (1 of 4 stars; one submission).

Conditions:
Hereditary spastic paraplegia 7 (SPG7). Also called: Spastic paraplegia 7; Hereditary spastic paraplegia Paraplegin type; SPG7-related neurologic disorder; SPASTIC PARAPLEGIA 7, AUTOSOMAL RECESSIVE, WITH OR WITHOUT CEREBELLAR ATAXIA; Autosomal recessive spastic paraplegia type 7. Identifiers: Orphanet 99013, MedGen C1846564, MONDO:0011803, OMIM 607259.

Allele frequency attached by ClinVar (database versions not stated): gnomAD 0.00001; gnomAD exomes 0.00001; ExAC 0.00002; TOPMed 0.00002.
gnomAD v4.1: 7 of 1,610,672 alleles (0.00043%); highest among the groups gnomAD compares: Admixed American, 0.0067%; no homozygotes.

Submission:

Labcorp Genetics (formerly Invitae), Labcorp
Classification: Uncertain significance for Hereditary spastic paraplegia 7. Last evaluated: 2024-05-15. Review status: criteria provided, single submitter. Criteria: Invitae Variant Classification Sherloc (09022015). Collection method: clinical testing. Allele origin: germline.
Comment: This sequence change disrupts the translational stop signal of the SPG7 mRNA. It is expected to extend the length of the SPG7 protein by 14 additional amino acid residues. This variant is present in population databases (rs763204452, gnomAD 0.006%). This variant has not been reported in the literature in individuals affected with SPG7-related conditions. ClinVar contains an entry for this variant (Variation ID: 2152648). In summary, the available evidence is currently insufficient to determine the role of this variant in disease. Therefore, it has been classified as a Variant of Uncertain Significance.